The following is an entry in ClinVar:

ClinVar aggregate classification (germline): Pathogenic/Likely pathogenic. Review status: criteria provided, multiple submitters, no conflicts (2 of 4 stars). 4 submissions from 4 submitters: Pathogenic (1); Likely pathogenic (2). 1 of the submissions does not count toward it. Last evaluated 2025-09-06.

Conditions:
Pendred syndrome (PDS). Also called: Pendred's syndrome; DEAFNESS WITH GOITER; GOITER-DEAFNESS SYNDROME; HYPOTHYROIDISM, CONGENITAL, DUE TO DYSHORMONOGENESIS, 2B; Pendred Syndrome (PDS); THYROID DYSHORMONOGENESIS 2B. Identifiers: Orphanet 705, MedGen C0271829, MONDO:0010134, OMIM 274600.

Allele frequency attached by ClinVar (database versions not stated): gnomAD exomes below 0.00001; TOPMed below 0.00001.

Submissions (4):

Natera, Inc.
Classification: Likely pathogenic for Pendred syndrome. Last evaluated: 2025-09-06. Review status: criteria provided, single submitter. Criteria: Natera Variant Classification Schema (03/2026). Collection method: clinical testing. Allele origin: germline.
Comment: The c.2090A>C variant in SLC26A4 is a missense variant predicted to cause substitution of aspartic acid to alanine at amino acid 697. This variant is rare in the general population with a frequency below the threshold expected for the associated phenotype(s). This variant has been observed in one or more individuals affected with the associated recessive disease, as either homozygous or compound heterozygous with a second variant (PMID: 25394566). Functional studies show that this variant may disrupt protein function (PMID: 19509082). Computational prediction algorithms indicate this variant is likely to affect gene or protein function. Given the available evidence, this variant is classified as Likely Pathogenic.

GeneDx
Classification: Pathogenic. Last evaluated: 2024-08-26. Review status: criteria provided, single submitter. Criteria: GeneDx Variant Classification Process June 2021. Collection method: clinical testing. Allele origin: germline. Affected: yes.
Comment: Published functional studies demonstrate a damaging effect on protein function (PMID: 19509082); Observed with no second SLC26A4 variant in a patient with hearing loss in published literature (PMID: 19509082); In silico analysis supports that this missense variant has a deleterious effect on protein structure/function; Not observed at significant frequency in large population cohorts (gnomAD); This variant is associated with the following publications: (PMID: 30245029, 19509082, 25394566)

Labcorp Genetics (formerly Invitae), Labcorp
Classification: Likely pathogenic. Last evaluated: 2024-05-29. Review status: criteria provided, single submitter. Criteria: Invitae Variant Classification Sherloc (09022015). Collection method: clinical testing. Allele origin: germline.
Comment: This sequence change replaces aspartic acid, which is acidic and polar, with alanine, which is neutral and non-polar, at codon 697 of the SLC26A4 protein (p.Asp697Ala). This variant is present in population databases (rs111033443, gnomAD 0.0009%). This missense change has been observed in individual(s) with deafness and/or Pendred syndrome (PMID: 19509082, 25394566; Invitae). In at least one individual the data is consistent with being in trans (on the opposite chromosome) from a pathogenic variant. ClinVar contains an entry for this variant (Variation ID: 43536). An algorithm developed to predict the effect of missense changes on protein structure and function (PolyPhen-2) suggests that this variant is likely to be disruptive. Experimental studies have shown that this missense change affects SLC26A4 function (PMID: 19509082). This variant disrupts the p.Asp697 amino acid residue in SLC26A4. Other variant(s) that disrupt this residue have been observed in individuals with SLC26A4-related conditions (PMID: 26969326), which suggests that this may be a clinically significant amino acid residue. In summary, the currently available evidence indicates that the variant is pathogenic, but additional data are needed to prove that conclusively. Therefore, this variant has been classified as Likely Pathogenic.

Laboratory for Molecular Medicine, Mass General Brigham Personalized Medicine
Classification: Uncertain significance. Last evaluated: 2009-08-14. Review status: flagged submission. Criteria: LMM Criteria. Collection method: clinical testing. Allele origin: germline. Observed: 1 variant allele. Not counted in ClinVar's aggregate classification.
ClinVar note: Reason: Older claim that does not account for recent evidence

Literature cited by the submitters: PubMed 25394566 (cited by Natera, Inc. and Labcorp Genetics (formerly Invitae), Labcorp); PubMed 19509082 (cited by 3 submitters); PubMed 26969326 (cited by Labcorp Genetics (formerly Invitae), Labcorp).

NM_000441.2(SLC26A4):c.2090A>C (p.Asp697Ala)

Genes: SLC26A4 (solute carrier family 26 member 4; plus strand), LOC123956210 (Sharpr-MPRA regulatory region 3291; plus strand). Cytogenetic location: 7q22.3.
Variant type: single nucleotide variant.
Coding change: c.2090A>C on transcript NM_000441.2 (MANE Select); coding-DNA position 2090, A replaced by C.
Protein change: p.Asp697Ala; replaces aspartic acid 697 with alanine.
Molecular consequence: missense variant.
Genome position (GRCh38, 1-based): chr7:107,710,054, A>C. VCF-style: chr7-107710054-A-C. GRCh37 (hg19) VCF-style: chr7-107350499-A-C.
Other names: short protein forms D697A.
Identifiers: ClinVar variation 43536 (VCV000043536.14), dbSNP rs111033443, ClinGen allele CA132697.